The following is an entry in ClinVar:

NM_005199.5(CHRNG):c.136C>T (p.Arg46Ter)

Gene: CHRNG (cholinergic receptor nicotinic gamma subunit; plus strand). Cytogenetic location: 2q37.1.
Variant type: single nucleotide variant.
Coding change: c.136C>T on transcript NM_005199.5 (MANE Select); coding-DNA position 136, C replaced by T.
Protein change: p.Arg46Ter; replaces arginine 46 with a stop codon.
Molecular consequence: nonsense.
Genome position (GRCh38, 1-based): chr2:232,540,072, C>T. VCF-style: chr2-232540072-C-T. GRCh37 (hg19) VCF-style: chr2-233404782-C-T.
Other names: short protein forms R46*.
Identifiers: ClinVar variation 18341 (VCV000018341.20), dbSNP rs121912672, ClinGen allele CA128053.

ClinVar aggregate classification (germline): Pathogenic. Review status: criteria provided, multiple submitters, no conflicts (2 of 4 stars). 8 submissions from 8 submitters: Pathogenic (7). 1 of the submissions does not count toward it. Last evaluated 2025-09-01.

Conditions:
Lethal multiple pterygium syndrome (LMPS). Identifiers: Orphanet 33108, MedGen C1854678, MONDO:0009668, OMIM 253290.
Autosomal recessive multiple pterygium syndrome. Also called: MULTIPLE PTERYGIUM SYNDROME, ESCOBAR VARIANT; PTERYGIUM COLLI SYNDROME; PTERYGIUM SYNDROME; PTERYGIUM UNIVERSALE. Identifiers: Orphanet 2990, MedGen C0265261, MONDO:0009926, OMIM 265000.

Allele frequency attached by ClinVar (database versions not stated): gnomAD 0.00001 and 0.00003; gnomAD exomes 0.00003 and 0.00006; ExAC 0.00008.
gnomAD v4.1: 41 of 1,614,082 alleles (0.0025%); highest among the groups gnomAD compares: South Asian, 0.037%; no homozygotes.

Submissions (8):

CeGaT Center for Human Genetics Tuebingen
Classification: Pathogenic. Last evaluated: 2025-09-01. Review status: criteria provided, single submitter. Criteria: CeGaT Center For Human Genetics Tuebingen Variant Classification Criteria Version 2. Collection method: clinical testing. Allele origin: germline. Affected: yes. Observed: 3 variant alleles.
Comment: CHRNG: PVS1, PM3:Strong, PM2

First Genomix Gene Laboratory, Genetic Diagnostics Department
Classification: Pathogenic for Autosomal recessive multiple pterygium syndrome; Lethal multiple pterygium syndrome. Last evaluated: 2025-05-23. Review status: criteria provided, single submitter. Criteria: ACMG Guidelines, 2015. Collection method: clinical testing. Allele origin: germline. Inheritance: Autosomal recessive inheritance. Affected: no. Observed: 1 variant allele.

Women's Health and Genetics/Laboratory Corporation of America, LabCorp
Classification: Pathogenic for Lethal multiple pterygium syndrome. Last evaluated: 2025-04-17. Review status: criteria provided, single submitter. Criteria: LabCorp Variant Classification Summary - May 2015. Collection method: clinical testing. Allele origin: germline.
Comment: Variant summary: CHRNG c.136C>T (p.Arg46X) results in a premature termination codon, predicted to cause a truncation of the encoded protein or absence of the protein due to nonsense mediated decay, which are commonly known mechanisms for disease. The variant allele was found at a frequency of 5.6e-05 in 251344 control chromosomes (gnomAD). This frequency is not significantly higher than estimated for a pathogenic variant in CHRNG causing Lethal Multiple Pterygium Syndrome - CHRNG Related (5.6e-05 vs 0.0011), allowing no conclusion about variant significance. c.136C>T has been observed in at least an individual affected with clinical features of multiple Pterygium syndrome - CHRNG Related (Morgan_2006). The following publication have been ascertained in the context of this evaluation (PMID: 16826531). ClinVar contains an entry for this variant (Variation ID: 18341). Based on the evidence outlined above, the variant was classified as pathogenic.

Labcorp Genetics (formerly Invitae), Labcorp
Classification: Pathogenic. Last evaluated: 2024-02-01. Review status: criteria provided, single submitter. Criteria: Invitae Variant Classification Sherloc (09022015). Collection method: clinical testing. Allele origin: germline.
Comment: This sequence change creates a premature translational stop signal (p.Arg46*) in the CHRNG gene. It is expected to result in an absent or disrupted protein product. Loss-of-function variants in CHRNG are known to be pathogenic (PMID: 16826520). This variant is present in population databases (rs121912672, gnomAD 0.04%). This premature translational stop signal has been observed in individual(s) with clinical features of multiple pterygium syndrome (PMID: 16826531, 33060286). ClinVar contains an entry for this variant (Variation ID: 18341). For these reasons, this variant has been classified as Pathogenic.

GeneDx
Classification: Pathogenic. Last evaluated: 2023-04-26. Review status: criteria provided, single submitter. Criteria: GeneDx Variant Classification Process June 2021. Collection method: clinical testing. Allele origin: germline. Affected: yes.
Comment: Nonsense variant predicted to result in protein truncation or nonsense mediated decay in a gene for which loss-of-function is a known mechanism of disease; This variant is associated with the following publications: (PMID: 22167768, 30461311, 30266093, 33060286, 16826531)

Daryl Scott Lab, Baylor College of Medicine
Classification: Pathogenic for Autosomal recessive multiple pterygium syndrome; Lethal multiple pterygium syndrome. Last evaluated: 2022-01-27. Review status: criteria provided, single submitter. Criteria: ACMG Guidelines, 2015. Collection method: clinical testing. Allele origin: unknown. Affected: yes. Observed: 1 variant allele, 1 homozygote.

Revvity Omics, Revvity
Classification: Pathogenic. Last evaluated: 2021-01-05. Review status: criteria provided, single submitter. Criteria: ACMG Guidelines, 2015. Collection method: clinical testing. Allele origin: germline.

OMIM
Classification: Pathogenic for ESCOBAR SYNDROME. Last evaluated: 2006-08-01. Review status: no assertion criteria provided. Collection method: literature only. Allele origin: germline. Not counted in ClinVar's aggregate classification.

Literature cited by the submitters: PubMed 16826531 (cited by 3 submitters); PubMed 16826520 (cited by Labcorp Genetics (formerly Invitae), Labcorp); PubMed 33060286 (cited by Labcorp Genetics (formerly Invitae), Labcorp); PubMed 35904974 (cited by Daryl Scott Lab, Baylor College of Medicine).